The following is an entry in ClinVar:

NM_001458.5(FLNC):c.1352A>C (p.His451Pro)

Gene: FLNC (filamin C; plus strand). Cytogenetic location: 7q32.1.
Variant type: single nucleotide variant.
Coding change: c.1352A>C on transcript NM_001458.5 (MANE Select); coding-DNA position 1352, A replaced by C.
Protein change: p.His451Pro; replaces histidine 451 with proline.
Molecular consequence: missense variant.
Genome position (GRCh38, 1-based): chr7:128,838,744, A>C. VCF-style: chr7-128838744-A-C. GRCh37 (hg19) VCF-style: chr7-128478798-A-C.
Other names: c.1352A>C, p.His451Pro (NM_001127487.2); short protein forms H451P.
Identifiers: ClinVar variation 1399232 (VCV001399232.6), dbSNP rs1808209347, ClinGen allele CA369224997.
Genomic context (GRCh38, chr7:128,838,744, plus strand): 5'-AGGGTGACAGCACGTTCCGCTGCACATACAGACCTGCCATGGAGGGGCCACATACCGTGC[A>C]TGTGGCCTTTGCGGGTGCCCCCATCACCCGCAGTCCCTTCCCTGTCCATGTGTCGGAAGG-3'
Protein context (NP_001449.3, residues 441-461): RPAMEGPHTV[His451Pro]VAFAGAPITR

ClinVar aggregate classification (germline): Uncertain significance (1 of 4 stars; one submission).

Conditions:
Distal myopathy with posterior leg and anterior hand involvement. Also called: WILLIAMS DISTAL MYOPATHY. Identifiers: Orphanet 63273, MedGen C3279722, MONDO:0013550, OMIM 614065.
Myofibrillar myopathy 5. Also called: FILAMINOPATHY, AUTOSOMAL DOMINANT; Filaminopathy (type). Identifiers: Orphanet 171445, MedGen C1836050, MONDO:0012289, OMIM 609524.
Hypertrophic cardiomyopathy 26. Also called: Cardiomyopathy, familial hypertrophic, 26. Identifiers: Orphanet 75249, MedGen C4310749, MONDO:0014883, OMIM 617047.

gnomAD v4.1: 1 of 1,613,022 alleles (0.000062%); highest among the groups gnomAD compares: Non-Finnish European, 0.000085%; no homozygotes.

Submission:

Labcorp Genetics (formerly Invitae), Labcorp
Classification: Uncertain significance for Distal myopathy with posterior leg and anterior hand involvement; Myofibrillar myopathy 5; Hypertrophic cardiomyopathy 26. Last evaluated: 2024-12-18. Review status: criteria provided, single submitter. Criteria: Invitae Variant Classification Sherloc (09022015). Collection method: clinical testing. Allele origin: germline.
Comment: This sequence change replaces histidine, which is basic and polar, with proline, which is neutral and non-polar, at codon 451 of the FLNC protein (p.His451Pro). This variant is not present in population databases (gnomAD no frequency). This variant has not been reported in the literature in individuals affected with FLNC-related conditions. ClinVar contains an entry for this variant (Variation ID: 1399232). Invitae Evidence Modeling of protein sequence and biophysical properties (such as structural, functional, and spatial information, amino acid conservation, physicochemical variation, residue mobility, and thermodynamic stability) has been performed for this missense variant. However, the output from this modeling did not meet the statistical confidence thresholds required to predict the impact of this variant on FLNC protein function. In summary, the available evidence is currently insufficient to determine the role of this variant in disease. Therefore, it has been classified as a Variant of Uncertain Significance.